The following is an entry in ClinVar:

NM_004453.4(ETFDH):c.1099A>G (p.Asn367Asp)

Gene: ETFDH (electron transfer flavoprotein dehydrogenase; plus strand). Cytogenetic location: 4q32.1.
Variant type: single nucleotide variant.
Coding change: c.1099A>G on transcript NM_004453.4 (MANE Select); coding-DNA position 1099, A replaced by G.
Protein change: p.Asn367Asp; replaces asparagine 367 with aspartic acid.
Molecular consequence: missense variant.
Genome position (GRCh38, 1-based): chr4:158,699,113, A>G. VCF-style: chr4-158699113-A-G. GRCh37 (hg19) VCF-style: chr4-159620265-A-G.
Other names: c.958A>G, p.Asn320Asp (NM_001281737.2); c.916A>G, p.Asn306Asp (NM_001281738.1); short protein forms N320D, N306D, N367D.
Identifiers: ClinVar variation 1481886 (VCV001481886.6), dbSNP rs2150312312, ClinGen allele CA358562347.

ClinVar aggregate classification (germline): Likely pathogenic (1 of 4 stars; one submission).

Conditions:
Multiple acyl-CoA dehydrogenase deficiency (MADD). Also called: Glutaric aciduria, type 2; ETHYLMALONIC-ADIPICACIDURIA; GA II; Glutaric Acidemia type 2; Glutaric acidemia type II; GA 2. Identifiers: Orphanet 26791, MedGen C0268596, MONDO:0009282, OMIM 231680.

gnomAD v4.1: 2 of 1,614,028 alleles (0.00012%); highest among the groups gnomAD compares: Non-Finnish European, 0.00017%; no homozygotes.

Submission:

Labcorp Genetics (formerly Invitae), Labcorp
Classification: Likely pathogenic for Multiple acyl-CoA dehydrogenase deficiency. Last evaluated: 2022-03-26. Review status: criteria provided, single submitter. Criteria: Invitae Variant Classification Sherloc (09022015). Collection method: clinical testing. Allele origin: germline.
Comment: In summary, the currently available evidence indicates that the variant is pathogenic, but additional data are needed to prove that conclusively. Therefore, this variant has been classified as Likely Pathogenic. Advanced modeling of protein sequence and biophysical properties (such as structural, functional, and spatial information, amino acid conservation, physicochemical variation, residue mobility, and thermodynamic stability) performed at Invitae indicates that this missense variant is expected to disrupt ETFDH protein function. This missense change has been observed in individuals with multiple acyl-CoA dehydrogenase deficiency (PMID: 24357026). This variant is not present in population databases (gnomAD no frequency). This sequence change replaces asparagine, which is neutral and polar, with aspartic acid, which is acidic and polar, at codon 367 of the ETFDH protein (p.Asn367Asp).

Literature cited by the submitters: PubMed 24357026.